The following is an entry in ClinVar:

ClinVar aggregate classification (germline): Conflicting classifications of pathogenicity. Review status: criteria provided, conflicting classifications (1 of 4 stars). 3 submissions from 3 submitters: Pathogenic (1); Likely pathogenic (1); Uncertain significance (1). Last evaluated 2026-03-03.

Conditions:
Autosomal recessive limb-girdle muscular dystrophy type 2C (LGMDR5). Also called: MUSCULAR DYSTROPHY, DUCHENNE-LIKE; MUSCULAR DYSTROPHY, LIMB-GIRDLE, AUTOSOMAL RECESSIVE 5. Identifiers: Orphanet 353, MedGen C0410173, MONDO:0009677, OMIM 253700. Disease mechanism: Affects gamma-sarcoglycan and also disrupts the integrity of the entire sarcoglycan complex..

Submissions (3):

Myriad Genetics, Inc.
Classification: Uncertain significance for Autosomal recessive limb-girdle muscular dystrophy type 2C. Last evaluated: 2026-03-03. Review status: criteria provided, single submitter. Criteria: Myriad Autosomal Dominant, Autosomal Recessive and X-Linked Classification Criteria (2023). Collection method: clinical testing. Allele origin: unknown.
Comment: NM_000231.2(SGCG):c.824_827delCTGT(S275Wfs*4) is a frameshift variant classified as a variant of uncertain significance in the context of gamma-sarcoglycanopathy. S275Wfs*4 has been observed in a case with relevant disease (PMID: 35416532). Relevant functional assessments of this variant are not available in the literature. S275Wfs*4 has been observed in referenced population frequency databases. In summary, there is insufficient evidence to classify NM_000231.2(SGCG):c.824_827delCTGT(S275Wfs*4) as pathogenic or benign. Please note: this variant was assessed in the context of healthy population screening.

Labcorp Genetics (formerly Invitae), Labcorp
Classification: Pathogenic for Autosomal recessive limb-girdle muscular dystrophy type 2C. Last evaluated: 2025-10-02. Review status: criteria provided, single submitter. Criteria: Invitae Variant Classification Sherloc (09022015). Collection method: clinical testing. Allele origin: germline.
Comment: This sequence change creates a premature translational stop signal (p.Ser275Trpfs*4) in the SGCG gene. While this is not anticipated to result in nonsense mediated decay, it is expected to disrupt the last 17 amino acid(s) of the SGCG protein. This variant is present in population databases (no rsID available, gnomAD 0.003%). This variant has not been reported in the literature in individuals affected with SGCG-related conditions. This variant disrupts a region of the SGCG protein in which other variant(s) (p.Cys283Tyr) have been determined to be pathogenic (PMID: 8968757, 9781048, 22095924). This suggests that this is a clinically significant region of the protein, and that variants that disrupt it are likely to be disease-causing. For these reasons, this variant has been classified as Pathogenic.

Baylor Genetics
Classification: Likely pathogenic for Autosomal recessive limb-girdle muscular dystrophy type 2C. Last evaluated: 2024-02-24. Review status: criteria provided, single submitter. Criteria: ACMG Guidelines, 2015. Collection method: clinical testing. Allele origin: unknown.

Literature cited by the submitters: PubMed 35416532 (cited by Myriad Genetics, Inc.); PubMed 8968757 (cited by Labcorp Genetics (formerly Invitae), Labcorp); PubMed 9781048 (cited by Labcorp Genetics (formerly Invitae), Labcorp); PubMed 22095924 (cited by Labcorp Genetics (formerly Invitae), Labcorp).

NM_000231.3(SGCG):c.824_827del (p.Ser275fs)

Gene: SGCG (sarcoglycan gamma; plus strand). Cytogenetic location: 13q12.12.
Variant type: Microsatellite.
Coding change: c.824_827del on transcript NM_000231.3 (MANE Select); coding-DNA positions 824 to 827, 4 bases deleted (CTGT; older notation c.824_827delCTGT).
Protein change: p.Ser275fs; shifts the reading frame from serine 275.
Molecular consequence: frameshift variant.
Genome position (GRCh38, 1-based): chr13:23,324,489-23,324,492, CTGT deleted; deleting any 4 consecutive bases within chr13:23,324,485-23,324,492 gives the same sequence; the c. name uses the placement nearest the transcript's 3' end. VCF-style (leftmost placement, unchanged base first): chr13-23324484-CCTGT-C. GRCh37 (hg19) VCF-style: chr13-23898623-CCTGT-C.
Other names: c.878_881del, p.Ser293fs (NM_001378244.1); c.824_827del, p.Ser275fs (NM_001378245.1, NM_001378246.1); short protein forms S293fs, S275fs.
Identifiers: ClinVar variation 1408922 (VCV001408922.8), dbSNP rs1361450354, ClinGen allele CA608985314.